The following is an entry in ClinVar:

NM_017433.5(MYO3A):c.439A>G (p.Ile147Val)

Gene: MYO3A (myosin IIIA; plus strand). Cytogenetic location: 10p12.1.
Variant type: single nucleotide variant.
Coding change: c.439A>G on transcript NM_017433.5 (MANE Select); coding-DNA position 439, A replaced by G.
Protein change: p.Ile147Val; replaces isoleucine 147 with valine.
Molecular consequence: missense variant.
Genome position (GRCh38, 1-based): chr10:25,997,189, A>G. VCF-style: chr10-25997189-A-G. GRCh37 (hg19) VCF-style: chr10-26286118-A-G.
Other names: c.439A>G, p.Ile147Val (NM_001368265.1); short protein forms I147V.
Identifiers: ClinVar variation 3348347 (VCV003348347.1).

ClinVar aggregate classification (germline): Uncertain significance (0 of 4 stars; one submission).

Conditions:
MYO3A-related disorder. Also called: MYO3A-related condition.

gnomAD v4.1: 33 of 1,613,404 alleles (0.002%); highest among the groups gnomAD compares: Non-Finnish European, 0.0028%; no homozygotes.

Submission:

PreventionGenetics, part of Exact Sciences
Classification: Uncertain significance for MYO3A-related condition. Last evaluated: 2024-05-06. Review status: no assertion criteria provided. Collection method: clinical testing. Allele origin: germline.
Comment: The MYO3A c.439A>G variant is predicted to result in the amino acid substitution p.Ile147Val. To our knowledge, this variant has not been reported in the literature. This variant is reported in 0.013% of alleles in individuals of European (Non-Finnish) descent in gnomAD. At this time, the clinical significance of this variant is uncertain due to the absence of conclusive functional and genetic evidence.